The following is an entry in ClinVar:

NM_003072.5(SMARCA4):c.1027G>C (p.Val343Leu)

Gene: SMARCA4 (SWI/SNF related BAF chromatin remodeling complex subunit ATPase 4; plus strand). Cytogenetic location: 19p13.2.
Variant type: single nucleotide variant.
Coding change: c.1027G>C on transcript NM_003072.5 (MANE Select); coding-DNA position 1027, G replaced by C.
Protein change: p.Val343Leu; replaces valine 343 with leucine.
Molecular consequence: missense variant. On other transcripts: non-coding transcript variant (1).
Genome position (GRCh38, 1-based): chr19:10,987,833, G>C. VCF-style: chr19-10987833-G-C. GRCh37 (hg19) VCF-style: chr19-11098509-G-C.
Other names: c.1027G>C, p.Val343Leu (NM_001128844.3, NM_001128845.2, NM_001128846.2 and 4 more transcripts); short protein forms V343L.
Identifiers: ClinVar variation 850928 (VCV000850928.12), dbSNP rs1599970530, ClinGen allele CA404058661.

ClinVar aggregate classification (germline): Uncertain significance. Review status: criteria provided, multiple submitters, no conflicts (2 of 4 stars). 2 submissions from 2 submitters: Uncertain significance (2). Last evaluated 2022-02-19.

Conditions:
Rhabdoid tumor predisposition syndrome 2 (RTPS2). Identifiers: Orphanet 231108, Orphanet 69077, MedGen C2750074, MONDO:0013224, OMIM 613325.
Hereditary cancer-predisposing syndrome. Also called: Tumor predisposition; Neoplastic Syndromes, Hereditary; Hereditary neoplastic syndrome; Hereditary Cancer Syndrome. Identifiers: Orphanet 140162, MedGen C0027672, MeSH D009386, MONDO:0015356.

Submissions (2):

Labcorp Genetics (formerly Invitae), Labcorp
Classification: Uncertain significance for Rhabdoid tumor predisposition syndrome 2. Last evaluated: 2022-02-19. Review status: criteria provided, single submitter. Criteria: Invitae Variant Classification Sherloc (09022015). Collection method: clinical testing. Allele origin: germline.
Comment: In summary, the available evidence is currently insufficient to determine the role of this variant in disease. Therefore, it has been classified as a Variant of Uncertain Significance. Algorithms developed to predict the effect of missense changes on protein structure and function (SIFT, PolyPhen-2, Align-GVGD) all suggest that this variant is likely to be tolerated. ClinVar contains an entry for this variant (Variation ID: 850928). This variant has not been reported in the literature in individuals affected with SMARCA4-related conditions. This variant is not present in population databases (gnomAD no frequency). This sequence change replaces valine, which is neutral and non-polar, with leucine, which is neutral and non-polar, at codon 343 of the SMARCA4 protein (p.Val343Leu).

Ambry Genetics
Classification: Uncertain significance for Hereditary cancer-predisposing syndrome. Last evaluated: 2021-04-21. Review status: criteria provided, single submitter. Criteria: Ambry Variant Classification Scheme 2023. Collection method: clinical testing. Allele origin: germline.
Comment: The p.V343L variant (also known as c.1027G>C), located in coding exon 5 of the SMARCA4 gene, results from a G to C substitution at nucleotide position 1027. The valine at codon 343 is replaced by leucine, an amino acid with highly similar properties. This amino acid position is highly conserved in available vertebrate species. In addition, this alteration is predicted to be tolerated by in silico analysis. Missense and in-frame variants in SMARCA4 are known to cause neurodevelopmental disorders; however, such associations with rhabdoid tumor predisposition syndrome including small cell carcinoma of the ovary-hypercalcemic type (SCCOHT) are exceedingly rare (Kosho T et al. Am J Med Genet C Semin Med Genet. 2014 Sep;166C(3):262-75; Jelinic P et al. Nat Genet. 2014 May;46(5):424-6). Based on the supporting evidence, the association of this alteration with Coffin-Siris syndrome is unknown; however, the association of this alteration with rhabdoid tumor predisposition syndrome is unlikely.